The following is an entry in ClinVar:

ClinVar aggregate classification (germline): Benign/Likely benign. Review status: criteria provided, multiple submitters, no conflicts (2 of 4 stars). 3 submissions from 3 submitters: Benign (2); Likely benign (1). Last evaluated 2026-01-28.

Allele frequency attached by ClinVar (database versions not stated): ExAC 0.00022; ESP Exome Variant Server 0.00062; 1000 Genomes Project 0.00080; gnomAD 0.00085 and 0.00092; TOPMed 0.00093; 1000 Genomes Project 30x 0.00094; gnomAD exomes 0.00009 and 0.00021.
gnomAD v4.1: 274 of 1,607,502 alleles (0.017%); highest among the groups gnomAD compares: African/African-American, 0.28%; no homozygotes.

Submissions (3):

Labcorp Genetics (formerly Invitae), Labcorp
Classification: Benign. Last evaluated: 2026-01-28. Review status: criteria provided, single submitter. Criteria: Invitae Variant Classification Sherloc (09022015). Collection method: clinical testing. Allele origin: germline.

Blueprint Genetics
Classification: Likely benign. Last evaluated: 2024-09-16. Review status: criteria provided, single submitter. Criteria: ACMG Guidelines, 2015. Collection method: clinical testing. Allele origin: germline.

CeGaT Center for Human Genetics Tuebingen
Classification: Benign. Last evaluated: 2022-05-01. Review status: criteria provided, single submitter. Criteria: CeGaT Center For Human Genetics Tuebingen Variant Classification Criteria Version 2. Collection method: clinical testing. Allele origin: germline. Affected: yes. Observed: 1 variant allele.
Comment: CYFIP2: BS1, BS2

NM_001037333.3(CYFIP2):c.534G>A (p.Lys178=)

Gene: CYFIP2 (cytoplasmic FMR1 interacting protein 2; plus strand). Cytogenetic location: 5q33.3.
Variant type: single nucleotide variant.
Coding change: c.534G>A on transcript NM_001037333.3 (MANE Select); coding-DNA position 534, G replaced by A.
Protein change: p.Lys178=; no amino-acid change (lysine 178 retained).
Molecular consequence: synonymous variant.
Genome position (GRCh38, 1-based): chr5:157,300,861, G>A. VCF-style: chr5-157300861-G-A. GRCh37 (hg19) VCF-style: chr5-156727869-G-A.
Other names: c.456G>A, p.Lys152= (NM_001291721.2); c.534G>A, p.Lys178= (NM_001291722.2, NM_014376.4).
Identifiers: ClinVar variation 1168014 (VCV001168014.34), dbSNP rs369062847, ClinGen allele CA3533373.
Genomic context (GRCh38, chr5:157,300,861, plus strand): 5'-CCTGACCCTTGGCAAGTTCATCAACATGTTTGCTGTCCTGGATGAGCTAAAGAACATGAA[G>A]TGCAGCGTCAAGAATGACCACTCTGCCTACAAGAGGTCAGGGCAACCTCCCCCTCTCCCC-3'
Protein context (NP_001032410.1, residues 168-188): FAVLDELKNM[Lys178=]CSVKNDHSAY